The following is an entry in ClinVar:

NM_005739.4(RASGRP1):c.34C>G (p.Arg12Gly)

Genes: RASGRP1 (RAS guanyl releasing protein 1; minus strand), LOC130056800 (ATAC-STARR-seq lymphoblastoid silent region 6307; plus strand). Cytogenetic location: 15q14.
Variant type: single nucleotide variant.
Coding change: c.34C>G on transcript NM_005739.4 (MANE Select); coding-DNA position 34, C replaced by G.
Protein change: p.Arg12Gly; replaces arginine 12 with glycine.
Molecular consequence: missense variant.
Genome position (GRCh38, 1-based): chr15:38,564,595, G>C on the plus strand (C>G on the coding strand, the complement: RASGRP1 is on the minus strand). VCF-style: chr15-38564595-G-C. GRCh37 (hg19) VCF-style: chr15-38856796-G-C.
Other names: c.34C>G, p.Arg12Gly (NM_001128602.2, NM_001306086.2); short protein forms R12G.
Identifiers: ClinVar variation 2416213 (VCV002416213.4), dbSNP rs777064884, ClinGen allele CA7471238.

ClinVar aggregate classification (germline): Uncertain significance (1 of 4 stars; one submission).

Allele frequency attached by ClinVar (database versions not stated): gnomAD 0.00001; TOPMed 0.00001; ExAC 0.00022.
gnomAD v4.1: 15 of 1,383,938 alleles (0.0011%); highest among the groups gnomAD compares: Non-Finnish European, 0.0014%; no homozygotes.

Submission:

Labcorp Genetics (formerly Invitae), Labcorp
Classification: Uncertain significance. Last evaluated: 2022-04-10. Review status: criteria provided, single submitter. Criteria: Invitae Variant Classification Sherloc (09022015). Collection method: clinical testing. Allele origin: germline.
Comment: This sequence change replaces arginine, which is basic and polar, with glycine, which is neutral and non-polar, at codon 12 of the RASGRP1 protein (p.Arg12Gly). This variant is present in population databases (rs777064884, gnomAD 0.003%). This variant has not been reported in the literature in individuals affected with RASGRP1-related conditions. Algorithms developed to predict the effect of missense changes on protein structure and function (SIFT, PolyPhen-2, Align-GVGD) all suggest that this variant is likely to be tolerated. In summary, the available evidence is currently insufficient to determine the role of this variant in disease. Therefore, it has been classified as a Variant of Uncertain Significance.